The following is an entry in ClinVar:

NM_007194.4(CHEK2):c.394A>T (p.Arg132Ter)

Gene: CHEK2 (checkpoint kinase 2; minus strand). Cytogenetic location: 22q12.1.
Variant type: single nucleotide variant.
Coding change: c.394A>T on transcript NM_007194.4 (MANE Select); coding-DNA position 394, A replaced by T.
Protein change: p.Arg132Ter; replaces arginine 132 with a stop codon.
Molecular consequence: nonsense. On other transcripts: 5 prime UTR variant (2).
Genome position (GRCh38, 1-based): chr22:28,725,293, T>A on the plus strand (A>T on the coding strand, the complement: CHEK2 is on the minus strand). VCF-style: chr22-28725293-T-A. GRCh37 (hg19) VCF-style: chr22-29121281-T-A.
Other names: c.523A>T, p.Arg175Ter (NM_001005735.3, NM_001438294.1); c.-384A>T (NM_001257387.3); c.394A>T, p.Arg132Ter (NM_001349956.3, NM_145862.3); c.-270A>T (NM_001437942.1); c.487A>T, p.Arg163Ter (NM_001438293.1, NM_001438295.1); short protein forms R163*, R132*, R175*.
Identifiers: ClinVar variation 4634950 (VCV004634950.1).

ClinVar aggregate classification (germline): Pathogenic (1 of 4 stars; one submission).

Conditions:
Hereditary cancer-predisposing syndrome. Also called: Neoplastic Syndromes, Hereditary; Tumor predisposition; Hereditary Cancer Syndrome; Hereditary neoplastic syndrome. Identifiers: Orphanet 140162, MedGen C0027672, MeSH D009386, MONDO:0015356.

Submission:

Ambry Genetics
Classification: Pathogenic for Hereditary cancer-predisposing syndrome. Last evaluated: 2025-12-03. Review status: criteria provided, single submitter. Criteria: Ambry Variant Classification Scheme 2023. Collection method: clinical testing. Allele origin: germline.
Comment: The p.R132* pathogenic mutation (also known as c.394A>T), located in coding exon 2 of the CHEK2 gene, results from an A to T substitution at nucleotide position 394. This changes the amino acid from an arginine to a stop codon within coding exon 2. This variant is considered to be rare based on population cohorts in the Genome Aggregation Database (gnomAD). This alteration is expected to result in loss of function by premature protein truncation or nonsense-mediated mRNA decay. As such, this alteration is interpreted as a disease-causing mutation.